The following is an entry in ClinVar:

NM_181703.4(GJA5):c.229T>C (p.Tyr77His)

Gene: GJA5 (gap junction protein alpha 5; minus strand). Cytogenetic location: 1q21.2.
Variant type: single nucleotide variant.
Coding change: c.229T>C on transcript NM_181703.4 (MANE Select); coding-DNA position 229, T replaced by C.
Protein change: p.Tyr77His; replaces tyrosine 77 with histidine.
Molecular consequence: missense variant.
Genome position (GRCh38, 1-based): chr1:147,759,010, A>G on the plus strand (T>C on the coding strand, the complement: GJA5 is on the minus strand). VCF-style: chr1-147759010-A-G. GRCh37 (hg19) VCF-style: chr1-147231118-A-G.
Other names: c.229T>C, p.Tyr77His (NM_005266.7); short protein forms Y77H.
Identifiers: ClinVar variation 1347734 (VCV001347734.6), dbSNP rs1663877672, ClinGen allele CA342397601.

ClinVar aggregate classification (germline): Uncertain significance (1 of 4 stars; one submission).

Conditions:
Atrial fibrillation, familial, 11 (ATFB11). Identifiers: MedGen C3279693, MONDO:0013544, OMIM 614049.
Atrial standstill 1 (ATRST1). Also called: Atrial standstill, digenic (GJA5/SCN5A); ATRIAL CARDIOMYOPATHY WITH HEART BLOCK; CARDIOMYOPATHY, FAMILIAL, WITH CONDUCTION DISTURBANCE. Identifiers: Orphanet 1344, MedGen C4551959, MONDO:0007171, OMIM 108770.

Allele frequency attached by ClinVar (database versions not stated): gnomAD exomes below 0.00001.
gnomAD v4.1: 5 of 1,614,210 alleles (0.00031%); highest among the groups gnomAD compares: Non-Finnish European, 0.00034%; no homozygotes.

Submission:

Labcorp Genetics (formerly Invitae), Labcorp
Classification: Uncertain significance for Atrial fibrillation, familial, 11; Atrial standstill 1. Last evaluated: 2025-02-28. Review status: criteria provided, single submitter. Criteria: Invitae Variant Classification Sherloc (09022015). Collection method: clinical testing. Allele origin: germline.
Comment: This sequence change replaces tyrosine, which is neutral and polar, with histidine, which is basic and polar, at codon 77 of the GJA5 protein (p.Tyr77His). This variant is not present in population databases (gnomAD no frequency). This variant has not been reported in the literature in individuals affected with GJA5-related conditions. ClinVar contains an entry for this variant (Variation ID: 1347734). Invitae Evidence Modeling of protein sequence and biophysical properties (such as structural, functional, and spatial information, amino acid conservation, physicochemical variation, residue mobility, and thermodynamic stability) indicates that this missense variant is expected to disrupt GJA5 protein function with a positive predictive value of 80%. In summary, the available evidence is currently insufficient to determine the role of this variant in disease. Therefore, it has been classified as a Variant of Uncertain Significance.